The following is an entry in ClinVar:

ClinVar aggregate classification (germline): Uncertain significance. Review status: criteria provided, multiple submitters, no conflicts (2 of 4 stars). 4 submissions from 4 submitters: Uncertain significance (4). Last evaluated 2025-11-07.

Conditions:
Inborn genetic diseases. Identifiers: MedGen C0950123, MeSH D030342.

Allele frequency attached by ClinVar (database versions not stated): gnomAD 0.00004; gnomAD exomes 0.00004; TOPMed 0.00005; ESP Exome Variant Server 0.00008.
gnomAD v4.1: 67 of 1,613,732 alleles (0.0042%); highest among the groups gnomAD compares: South Asian, 0.0055%; no homozygotes.

Submissions (4):

Mayo Clinic Laboratories, Mayo Clinic
Classification: Uncertain significance. Last evaluated: 2025-11-07. Review status: criteria provided, single submitter. Criteria: ACMG Guidelines, 2015. Collection method: clinical testing. Allele origin: germline. Observed: 2 variant alleles.
Comment: BP4_moderate

Labcorp Genetics (formerly Invitae), Labcorp
Classification: Uncertain significance. Last evaluated: 2025-05-17. Review status: criteria provided, single submitter. Criteria: Invitae Variant Classification Sherloc (09022015). Collection method: clinical testing. Allele origin: germline.
Comment: This sequence change replaces arginine, which is basic and polar, with tryptophan, which is neutral and slightly polar, at codon 514 of the ADAMTS13 protein (p.Arg514Trp). This variant is present in population databases (rs370215524, gnomAD 0.009%). This variant has not been reported in the literature in individuals affected with ADAMTS13-related conditions. ClinVar contains an entry for this variant (Variation ID: 2185922). An algorithm developed to predict the effect of missense changes on protein structure and function (PolyPhen-2) suggests that this variant is likely to be tolerated. In summary, the available evidence is currently insufficient to determine the role of this variant in disease. Therefore, it has been classified as a Variant of Uncertain Significance.

Ambry Genetics
Classification: Uncertain significance for Inborn genetic diseases. Last evaluated: 2025-04-04. Review status: criteria provided, single submitter. Criteria: Ambry Variant Classification Scheme 2023. Collection method: clinical testing. Allele origin: germline.

Center for Genomic Medicine, Rigshospitalet, Copenhagen University Hospital
Classification: Uncertain significance. Last evaluated: 2025-03-04. Review status: criteria provided, single submitter. Criteria: ACMG Guidelines, 2015. Collection method: clinical testing. Allele origin: germline.

NM_139027.6(ADAMTS13):c.1540C>T (p.Arg514Trp)

Gene: ADAMTS13 (ADAM metallopeptidase with thrombospondin type 1 motif 13; plus strand). Cytogenetic location: 9q34.2.
Variant type: single nucleotide variant.
Coding change: c.1540C>T on transcript NM_139027.6 (MANE Select); coding-DNA position 1540, C replaced by T.
Protein change: p.Arg514Trp; replaces arginine 514 with tryptophan.
Molecular consequence: missense variant.
Genome position (GRCh38, 1-based): chr9:133,437,853, C>T. VCF-style: chr9-133437853-C-T. GRCh37 (hg19) VCF-style: chr9-136302973-C-T.
Other names: p.Arg514Trp; c.1540C>T, p.Arg514Trp (NM_139025.5); c.1447C>T, p.Arg483Trp (NM_139026.6); c.1540C>T (NM_139025.3); short protein forms R483W, R514W.
Identifiers: ClinVar variation 2185922 (VCV002185922.8), dbSNP rs370215524, ClinGen allele CA200930363.